The following is an entry in ClinVar:

ClinVar aggregate classification (germline): Uncertain significance. Review status: criteria provided, multiple submitters, no conflicts (2 of 4 stars). 2 submissions from 2 submitters: Uncertain significance (2). Last evaluated 2025-08-18.

Conditions:
Inborn genetic diseases. Identifiers: MedGen C0950123, MeSH D030342.

Allele frequency attached by ClinVar (database versions not stated): ExAC 0.00001; gnomAD 0.00007; TOPMed 0.00013; ESP Exome Variant Server 0.00015.

Submissions (2):

Labcorp Genetics (formerly Invitae), Labcorp
Classification: Uncertain significance. Last evaluated: 2025-08-18. Review status: criteria provided, single submitter. Criteria: Invitae Variant Classification Sherloc (09022015). Collection method: clinical testing. Allele origin: germline.
Comment: This sequence change replaces methionine, which is neutral and non-polar, with valine, which is neutral and non-polar, at codon 907 of the MCM3AP protein (p.Met907Val). This variant is present in population databases (rs150629654, gnomAD 0.02%). This variant has not been reported in the literature in individuals affected with MCM3AP-related conditions. ClinVar contains an entry for this variant (Variation ID: 1947957). An algorithm developed to predict the effect of missense changes on protein structure and function (PolyPhen-2) suggests that this variant is likely to be disruptive. In summary, the available evidence is currently insufficient to determine the role of this variant in disease. Therefore, it has been classified as a Variant of Uncertain Significance.

Ambry Genetics
Classification: Uncertain significance for Inborn genetic diseases. Last evaluated: 2024-12-31. Review status: criteria provided, single submitter. Criteria: Ambry Variant Classification Scheme 2023. Collection method: clinical testing. Allele origin: germline.

NM_003906.5(MCM3AP):c.2719A>G (p.Met907Val)

Gene: MCM3AP (minichromosome maintenance complex component 3 associated protein; minus strand). Cytogenetic location: 21q22.3.
Variant type: single nucleotide variant.
Coding change: c.2719A>G on transcript NM_003906.5 (MANE Select); coding-DNA position 2719, A replaced by G.
Protein change: p.Met907Val; replaces methionine 907 with valine.
Molecular consequence: missense variant.
Genome position (GRCh38, 1-based): chr21:46,267,052, T>C on the plus strand (A>G on the coding strand, the complement: MCM3AP is on the minus strand). VCF-style: chr21-46267052-T-C. GRCh37 (hg19) VCF-style: chr21-47686966-T-C.
Other names: c.2719A>G (NM_003906.3); short protein forms M907V.
Identifiers: ClinVar variation 1947957 (VCV001947957.4), dbSNP rs150629654, ClinGen allele CA10076761.